The following is an entry in ClinVar:

NM_005751.5(AKAP9):c.2487T>G (p.Asn829Lys)

Gene: AKAP9 (A-kinase anchoring protein 9; plus strand). Cytogenetic location: 7q21.2.
Variant type: single nucleotide variant.
Coding change: c.2487T>G on transcript NM_005751.5 (MANE Select); coding-DNA position 2487, T replaced by G.
Protein change: p.Asn829Lys; replaces asparagine 829 with lysine.
Molecular consequence: missense variant.
Genome position (GRCh38, 1-based): chr7:92,002,404, T>G. VCF-style: chr7-92002404-T-G. GRCh37 (hg19) VCF-style: chr7-91631718-T-G.
Other names: c.2487T>G, p.Asn829Lys (NM_147185.3); short protein forms N829K.
Identifiers: ClinVar variation 4033877 (VCV004033877.1).

ClinVar aggregate classification (germline): Uncertain significance (1 of 4 stars; one submission).

Conditions:
Cardiovascular phenotype. Identifiers: MedGen CN230736.

Submission:

Ambry Genetics
Classification: Uncertain significance for Cardiovascular phenotype. Last evaluated: 2025-04-23. Review status: criteria provided, single submitter. Criteria: Ambry Variant Classification Scheme 2023. Collection method: clinical testing. Allele origin: germline.
Comment: The p.N829K variant (also known as c.2487T>G), located in coding exon 8 of the AKAP9 gene, results from a T to G substitution at nucleotide position 2487. The asparagine at codon 829 is replaced by lysine, an amino acid with similar properties. This amino acid position is conserved. In addition, this alteration is predicted to be tolerated by in silico analysis. Based on the available evidence, the clinical significance of this variant remains unclear.